The following is an entry in ClinVar:

ClinVar aggregate classification (germline): Benign. Review status: criteria provided, multiple submitters, no conflicts (2 of 4 stars). 2 submissions from 2 submitters: Benign (2). Last evaluated 2018-01-13.

Conditions:
Diaphyseal medullary stenosis-bone malignancy syndrome. Also called: MYOPATHY, LIMB-GIRDLE, WITH BONE FRAGILITY; BONE DYSPLASIA WITH MALIGNANT FIBROUS HISTIOCYTOMA; BONE DYSPLASIA WITH MEDULLARY FIBROSARCOMA. Identifiers: Orphanet 85182, MedGen C1862177, MONDO:0007205, OMIM 112250.

Allele frequency attached by ClinVar (database versions not stated): gnomAD 0.21917 and 0.22251; TOPMed 0.23434; 1000 Genomes Project 30x 0.26796; 1000 Genomes Project 0.27037.
gnomAD v4.1: 201,971 of 984,196 alleles (21%); highest among the groups gnomAD compares: East Asian, 41%; 21,447 homozygotes.

Submissions (2):

Illumina Laboratory Services, Illumina
Classification: Benign for Diaphyseal medullary stenosis-bone malignancy syndrome. Last evaluated: 2018-01-13. Review status: criteria provided, single submitter. Criteria: ICSL Variant Classification Criteria 13 December 2019. Collection method: clinical testing. Allele origin: germline.
Comment: This variant was observed in the ICSL laboratory as part of a predisposition screen in an ostensibly healthy population. It had not been previously curated by ICSL or reported in the Human Gene Mutation Database (HGMD: prior to June 1st, 2018), and was therefore a candidate for classification through an automated scoring system. Utilizing variant allele frequency, disease prevalence and penetrance estimates, and inheritance mode, an automated score was calculated to assess if this variant is too frequent to cause the disease. Based on the score and internal cut-off values, a variant classified as benign is not then subjected to further curation. The score for this variant resulted in a classification of benign for this disease.

Breakthrough Genomics
Classification: Benign. Review status: criteria provided, single submitter. Criteria: ACMG Guidelines, 2015. Collection method: not provided. Allele origin: germline. Inheritance: Autosomal dominant inheritance. Affected: yes.

NM_002451.4(MTAP):c.*3093T>C

Gene: MTAP (methylthioadenosine phosphorylase; plus strand). Cytogenetic location: 9p21.3.
Variant type: single nucleotide variant.
Coding change: c.*3093T>C on transcript NM_002451.4 (MANE Select); 3093 bases downstream of the stop codon, T replaced by C.
Molecular consequence: 3 prime UTR variant.
Genome position (GRCh38, 1-based): chr9:21,865,107, T>C. VCF-style: chr9-21865107-T-C. GRCh37 (hg19) VCF-style: chr9-21865106-T-C.
Identifiers: ClinVar variation 366307 (VCV000366307.6), dbSNP rs4977735, ClinGen allele CA10633259.
Genomic context (GRCh38, chr9:21,865,107, plus strand): 5'-TTGCCACATTTGCAGAGTCCCTCCTTGATAAGGTTTGGCGGTGTCCCCACCCAAATCTCA[T>C]GTTGAATTGTAGTTCCCATAATCCCCACATGTTGTGGGAGGGACCCAGTGGGAGGTAATT-3'